The following is an entry in ClinVar:

NM_004268.5(MED17):c.1223C>T (p.Ser408Leu)

Gene: MED17 (mediator complex subunit 17; plus strand). Cytogenetic location: 11q21.
Variant type: single nucleotide variant.
Coding change: c.1223C>T on transcript NM_004268.5 (MANE Select); coding-DNA position 1223, C replaced by T.
Protein change: p.Ser408Leu; replaces serine 408 with leucine.
Molecular consequence: missense variant.
Genome position (GRCh38, 1-based): chr11:93,797,614, C>T. VCF-style: chr11-93797614-C-T. GRCh37 (hg19) VCF-style: chr11-93530780-C-T.
Other names: c.1223C>T (NM_004268.4); short protein forms S408L.
Identifiers: ClinVar variation 2199101 (VCV002199101.2), dbSNP rs140719424, ClinGen allele CA6232563.
Genomic context (GRCh38, chr11:93,797,614, plus strand): 5'-GTTCCATCATGATGCCTCATCCAGCAAGTGCACCTTTTGGCCACAAGAGAATGAGACTTT[C>T]GGGTCCTCAAGCTTTTGATAAAAATGAAATTAATTCATTACAGTCCAGTGAAGGGCTTCT-3'
Protein context (NP_004259.3, residues 398-418): APFGHKRMRL[Ser408Leu]GPQAFDKNEI

ClinVar aggregate classification (germline): Uncertain significance. Review status: criteria provided, multiple submitters, no conflicts (2 of 4 stars). 2 submissions from 2 submitters: Uncertain significance (2). Last evaluated 2025-02-25.

Conditions:
Inborn genetic diseases. Identifiers: MedGen C0950123, MeSH D030342.

Allele frequency attached by ClinVar (database versions not stated): ExAC 0.00001.
gnomAD v4.1: 45 of 1,613,858 alleles (0.0028%); highest among the groups gnomAD compares: Admixed American, 0.02%; 1 homozygote.

Submissions (2):

Ambry Genetics
Classification: Uncertain significance for Inborn genetic diseases. Last evaluated: 2025-02-25. Review status: criteria provided, single submitter. Criteria: Ambry Variant Classification Scheme 2023. Collection method: clinical testing. Allele origin: germline.

Labcorp Genetics (formerly Invitae), Labcorp
Classification: Uncertain significance. Last evaluated: 2022-10-17. Review status: criteria provided, single submitter. Criteria: Invitae Variant Classification Sherloc (09022015). Collection method: clinical testing. Allele origin: germline.
Comment: This sequence change replaces serine, which is neutral and polar, with leucine, which is neutral and non-polar, at codon 408 of the MED17 protein (p.Ser408Leu). This variant is present in population databases (rs140719424, gnomAD 0.006%). This variant has not been reported in the literature in individuals affected with MED17-related conditions. Advanced modeling of protein sequence and biophysical properties (such as structural, functional, and spatial information, amino acid conservation, physicochemical variation, residue mobility, and thermodynamic stability) performed at Invitae indicates that this missense variant is not expected to disrupt MED17 protein function. Algorithms developed to predict the effect of sequence changes on RNA splicing suggest that this variant may disrupt the consensus splice site. In summary, the available evidence is currently insufficient to determine the role of this variant in disease. Therefore, it has been classified as a Variant of Uncertain Significance.